The following is an entry in ClinVar:

NM_001453.3(FOXC1):c.1_*1790del (p.Met1fs)

Genes: FOXC1 (forkhead box C1; plus strand), LOC129995601 (ATAC-STARR-seq lymphoblastoid active region 23864; plus strand). Cytogenetic location: 6p25.3.
Variant type: Deletion.
Coding change: c.1_*1790del on transcript NM_001453.3 (MANE Select); coding-DNA position 1 through 1790 bases downstream of the stop codon, 3,452 bases deleted.
Protein change: p.Met1fs; shifts the reading frame from methionine 1.
Molecular consequence: frameshift variant, initiator codon variant.
Genome position (GRCh38, 1-based): chr6:1,610,446-1,613,897, 3,452 bases deleted. GRCh37 (hg19): chr6:1,610,681-1,614,132.
Other names: short protein forms M1fs.
Identifiers: ClinVar variation 568112 (VCV000568112.2), ClinGen allele CA891843163.

ClinVar aggregate classification (germline): Pathogenic (1 of 4 stars; one submission).

Conditions:
Axenfeld-Rieger syndrome type 3 (RIEG3). Also called: AXENFELD-RIEGER ANOMALY WITH CARDIAC DEFECTS AND/OR SENSORINEURAL HEARING LOSS. Identifiers: Orphanet 782, MedGen C2678503, MONDO:0011233, OMIM 602482.

Submission:

Labcorp Genetics (formerly Invitae), Labcorp
Classification: Pathogenic for Axenfeld-Rieger syndrome type 3. Last evaluated: 2018-03-22. Review status: criteria provided, single submitter. Criteria: Invitae Variant Classification Sherloc (09022015). Collection method: clinical testing. Allele origin: germline.
Comment: This sequence change is a complex rearrangement involving exon 1 of the FOXC1 mRNA (c.-4362-878delins261). This removes the initiator methionine along with approximately half of the coding sequence and over 4kb of upstream sequence. As such, this likely results in the absence of a FOXC1 protein product. While this particular variant has not been reported in the literature, deletion of the entire FOXC1 gene has been reported in several individuals affected with anterior segment dysgenesis and Axenfeld-Rieger syndrome (PMID: 20881294, 22382802). Loss-of-function variants in FOXC1 are known to be pathogenic (PMID: 16936096, 20881294). For these reasons, this variant has been classified as Pathogenic.

Literature cited by the submitters: PubMed 20881294; PubMed 22382802.